The following is an entry in ClinVar:

NM_000256.3(MYBPC3):c.3677G>T (p.Arg1226Leu)

Gene: MYBPC3 (myosin binding protein C3; minus strand). Cytogenetic location: 11p11.2.
Variant type: single nucleotide variant.
Coding change: c.3677G>T on transcript NM_000256.3 (MANE Select); coding-DNA position 3677, G replaced by T.
Protein change: p.Arg1226Leu; replaces arginine 1226 with leucine.
Molecular consequence: missense variant.
Genome position (GRCh38, 1-based): chr11:47,332,209, C>A on the plus strand (G>T on the coding strand, the complement: MYBPC3 is on the minus strand). VCF-style: chr11-47332209-C-A. GRCh37 (hg19) VCF-style: chr11-47353760-C-A.
Other names: short protein forms R1226L.
Identifiers: ClinVar variation 42732 (VCV000042732.6), dbSNP rs397516034, ClinGen allele CA014596.

ClinVar aggregate classification (germline): Uncertain significance. Review status: criteria provided, multiple submitters, no conflicts (2 of 4 stars). 2 submissions from 2 submitters: Uncertain significance (2). Last evaluated 2024-04-09.

Conditions:
Hypertrophic cardiomyopathy. Also called: HYPERTROPHIC MYOCARDIOPATHY. Identifiers: Orphanet 217569, MedGen C0007194, MeSH D002312, MONDO:0005045, HP:0001639.

Submissions (2):

Labcorp Genetics (formerly Invitae), Labcorp
Classification: Uncertain significance for Hypertrophic cardiomyopathy. Last evaluated: 2024-04-09. Review status: criteria provided, single submitter. Criteria: Invitae Variant Classification Sherloc (09022015). Collection method: clinical testing. Allele origin: germline.
Comment: This sequence change replaces arginine, which is basic and polar, with leucine, which is neutral and non-polar, at codon 1226 of the MYBPC3 protein (p.Arg1226Leu). This variant is not present in population databases (gnomAD no frequency). This missense change has been observed in individual(s) with dilated cardiomyopathy (PMID: 27532257). ClinVar contains an entry for this variant (Variation ID: 42732). An algorithm developed to predict the effect of missense changes on protein structure and function (PolyPhen-2) suggests that this variant is likely to be disruptive. In summary, the available evidence is currently insufficient to determine the role of this variant in disease. Therefore, it has been classified as a Variant of Uncertain Significance.

Laboratory for Molecular Medicine, Mass General Brigham Personalized Medicine
Classification: Uncertain significance. Last evaluated: 2013-10-10. Review status: criteria provided, single submitter. Criteria: LMM Criteria. Collection method: clinical testing. Allele origin: germline. Observed: 3 variant alleles.
Comment: Variant classified as Uncertain Significance - Favor Pathogenic. Computational analyses (biochemical amino acid propertie s, conservation, AlignGVGD, PolyPhen2, and SIFT) suggest that the Arg1226Leu var iant may impact the protein, though this information is not predictive enough to determine pathogenicity. Although this data supports that the Arg1226Leu varian t may be pathogenic, additional studies are needed to fully assess its clinical significance.

Literature cited by the submitters: PubMed 27532257 (cited by Labcorp Genetics (formerly Invitae), Labcorp); PubMed 19276111 (cited by Laboratory for Molecular Medicine, Mass General Brigham Personalized Medicine).